The following is an entry in ClinVar:

NM_000551.4(VHL):c.373C>G (p.His125Asp)

Genes: VHL (von Hippel-Lindau tumor suppressor; plus strand), LOC107303340 (3p25 von Hippel-Lindau tumor suppressor, E3 ubiquitin protein ligase Alu-mediated recombination region; plus strand). Cytogenetic location: 3p25.3.
Variant type: single nucleotide variant.
Coding change: c.373C>G on transcript NM_000551.4 (MANE Select); coding-DNA position 373, C replaced by G.
Protein change: p.His125Asp; replaces histidine 125 with aspartic acid.
Molecular consequence: missense variant. On other transcripts: non-coding transcript variant (1), intron variant (2).
Genome position (GRCh38, 1-based): chr3:10,146,546, C>G. VCF-style: chr3-10146546-C-G. GRCh37 (hg19) VCF-style: chr3-10188230-C-G.
Other names: c.*18-3241C>G (NM_001354723.2); c.341-3241C>G (NM_198156.3); short protein forms H125D.
Identifiers: ClinVar variation 3761922 (VCV003761922.2).

ClinVar aggregate classification (germline): Uncertain significance (1 of 4 stars; one submission).

Conditions:
Chuvash polycythemia. Also called: POLYCYTHEMIA, VHL-DEPENDENT. Identifiers: Orphanet 238557, MedGen C1837915, MONDO:0009892, OMIM 263400.
Von Hippel-Lindau syndrome (VHLS). Also called: von Hippel–Lindau syndrome; VHL syndrome; Von Hippel-Lindau. Identifiers: Orphanet 892, MedGen C0019562, MONDO:0008667, OMIM 193300. Disease mechanism: loss of function.

Submission:

Labcorp Genetics (formerly Invitae), Labcorp
Classification: Uncertain significance for Von Hippel-Lindau syndrome; Chuvash polycythemia. Last evaluated: 2024-02-15. Review status: criteria provided, single submitter. Criteria: Invitae Variant Classification Sherloc (09022015). Collection method: clinical testing. Allele origin: germline.
Comment: This sequence change replaces histidine, which is basic and polar, with aspartic acid, which is acidic and polar, at codon 125 of the VHL protein (p.His125Asp). This variant is not present in population databases (gnomAD no frequency). This variant has not been reported in the literature in individuals affected with VHL-related conditions. Advanced modeling of protein sequence and biophysical properties (such as structural, functional, and spatial information, amino acid conservation, physicochemical variation, residue mobility, and thermodynamic stability) has been performed at Invitae for this missense variant, however the output from this modeling did not meet the statistical confidence thresholds required to predict the impact of this variant on VHL protein function. This variant disrupts the p.His125 amino acid residue in VHL. Other variant(s) that disrupt this residue have been determined to be pathogenic (PMID: 17680521, 21461997). This suggests that this residue is clinically significant, and that variants that disrupt this residue are likely to be disease-causing. In summary, the available evidence is currently insufficient to determine the role of this variant in disease. Therefore, it has been classified as a Variant of Uncertain Significance.

Literature cited by the submitters: PubMed 17680521; PubMed 21461997.